The following is an entry in ClinVar:

ClinVar aggregate classification (germline): Uncertain significance. Review status: criteria provided, multiple submitters, no conflicts (2 of 4 stars). 2 submissions from 2 submitters: Uncertain significance (2). Last evaluated 2022-05-27.

Conditions:
Leigh syndrome (NULS). Also called: Leigh's necrotizing encephalopathy; Leigh's disease; Leigh Syndrome (mtDNA deletion); Leigh Disease; Subacute necrotizing encephalopathy; Necrotizing encephalopathy infantile subacute of Leigh. Identifiers: Orphanet 506, MedGen C2931891, MONDO:0009723, OMIM 256000.

Submissions (2):

Clinical Genetics Laboratory, Skane University Hospital Lund
Classification: Uncertain significance. Last evaluated: 2022-05-27. Review status: criteria provided, single submitter. Criteria: ACMG Guidelines, 2015. Collection method: clinical testing. Allele origin: germline. Affected: yes.

Wong Mito Lab, Molecular and Human Genetics, Baylor College of Medicine
Classification: Uncertain significance for Leigh syndrome. Last evaluated: 2019-10-17. Review status: criteria provided, single submitter. Criteria: Modified ACMG Guidelines (Unpublished). Collection method: clinical testing. Allele origin: germline.
Comment: The NC_012920.1:m.6781T>C (YP_003024028.1:p.Phe293Ser) variant in MTCO1 gene is interpretated to be a Uncertain Significance variant based on the modified ACMG guidelines (unpublished). This variant meets the following evidence codes: PP3, PP7

NC_012920.1(MT-CO1):m.6781T>C

Gene: MT-CO1 (mitochondrially encoded cytochrome c oxidase I; plus strand).
Variant type: single nucleotide variant.
Genome position: chrM-6781-T-C.
Identifiers: ClinVar variation 692673 (VCV000692673.2), dbSNP rs1603220626, ClinGen allele CA414786331.
Genomic context (GRCh38, chrMT:6,781, plus strand): 5'-TGGTCTGAGCTATGATATCAATTGGCTTCCTAGGGTTTATCGTGTGAGCACACCATATAT[T>C]TACAGTAGGAATAGACGTAGACACACGAGCATATTTCACCTCCGCTACCATAATCATCGC-3'